The following is an entry in ClinVar:

ClinVar aggregate classification (germline): Uncertain significance. Review status: criteria provided, multiple submitters, no conflicts (2 of 4 stars). 2 submissions from 2 submitters: Uncertain significance (2). Last evaluated 2022-07-01.

Conditions:
Parkinson disease 17 (PARK17). Also called: VPS35-Related Parkinson Disease. Identifiers: Orphanet 411602, MedGen C3280133, MONDO:0013625, OMIM 614203.

Allele frequency attached by ClinVar (database versions not stated): gnomAD 0.00004.
gnomAD v4.1: 120 of 1,613,986 alleles (0.0074%); highest among the groups gnomAD compares: African/African-American, 0.011%; no homozygotes.

Submissions (2):

CeGaT Center for Human Genetics Tuebingen
Classification: Uncertain significance. Last evaluated: 2022-07-01. Review status: criteria provided, single submitter. Criteria: CeGaT Center For Human Genetics Tuebingen Variant Classification Criteria Version 2. Collection method: clinical testing. Allele origin: germline. Affected: yes. Observed: 1 variant allele.
Comment: VPS35: PP2

Labcorp Genetics (formerly Invitae), Labcorp
Classification: Uncertain significance for Parkinson disease 17. Last evaluated: 2021-09-20. Review status: criteria provided, single submitter. Criteria: Invitae Variant Classification Sherloc (09022015). Collection method: clinical testing. Allele origin: germline.
Comment: Algorithms developed to predict the effect of missense changes on protein structure and function (SIFT, PolyPhen-2, Align-GVGD) all suggest that this variant is likely to be tolerated. In summary, the available evidence is currently insufficient to determine the role of this variant in disease. Therefore, it has been classified as a Variant of Uncertain Significance. Algorithms developed to predict the effect of sequence changes on RNA splicing suggest that this variant may create or strengthen a splice site. This variant has not been reported in the literature in individuals affected with VPS35-related conditions. This variant is present in population databases (rs754978683, ExAC 0.02%). This sequence change replaces asparagine with serine at codon 381 of the VPS35 protein (p.Asn381Ser). The asparagine residue is moderately conserved and there is a small physicochemical difference between asparagine and serine.

NM_018206.6(VPS35):c.1142A>G (p.Asn381Ser)

Gene: VPS35 (VPS35 retromer complex component; minus strand). Cytogenetic location: 16q11.2.
Variant type: single nucleotide variant.
Coding change: c.1142A>G on transcript NM_018206.6 (MANE Select); coding-DNA position 1142, A replaced by G.
Protein change: p.Asn381Ser; replaces asparagine 381 with serine.
Molecular consequence: missense variant.
Genome position (GRCh38, 1-based): chr16:46,674,332, T>C on the plus strand (A>G on the coding strand, the complement: VPS35 is on the minus strand). VCF-style: chr16-46674332-T-C. GRCh37 (hg19) VCF-style: chr16-46708244-T-C.
Other names: short protein forms N381S.
Identifiers: ClinVar variation 1356064 (VCV001356064.29), dbSNP rs754978683, ClinGen allele CA8036884.